The following is an entry in ClinVar:

ClinVar aggregate classification (germline): Uncertain significance (1 of 4 stars; one submission).

Conditions:
Hereditary cancer-predisposing syndrome. Also called: Neoplastic Syndromes, Hereditary; Tumor predisposition; Hereditary Cancer Syndrome; Hereditary neoplastic syndrome. Identifiers: Orphanet 140162, MedGen C0027672, MeSH D009386, MONDO:0015356.

Submission:

Ambry Genetics
Classification: Uncertain significance for Hereditary cancer-predisposing syndrome. Last evaluated: 2026-05-15. Review status: criteria provided, single submitter. Criteria: Ambry Variant Classification Scheme 2023. Collection method: clinical testing. Allele origin: germline.
Comment: The p.L1388P variant (also known as c.4163T>C), located in coding exon 33 of the POLE gene, results from a T to C substitution at nucleotide position 4163. The leucine at codon 1388 is replaced by proline, an amino acid with similar properties. This amino acid position is conserved. In addition, this alteration is predicted to be deleterious by in silico analysis. Based on the available evidence, the clinical significance of this variant remains unclear.

NM_006231.4(POLE):c.4163T>C (p.Leu1388Pro)

Gene: POLE (DNA polymerase epsilon, catalytic subunit; minus strand). Cytogenetic location: 12q24.33.
Variant type: single nucleotide variant.
Coding change: c.4163T>C on transcript NM_006231.4 (MANE Select); coding-DNA position 4163, T replaced by C.
Protein change: p.Leu1388Pro; replaces leucine 1388 with proline.
Molecular consequence: missense variant.
Genome position (GRCh38, 1-based): chr12:132,643,964, A>G on the plus strand (T>C on the coding strand, the complement: POLE is on the minus strand). VCF-style: chr12-132643964-A-G. GRCh37 (hg19) VCF-style: chr12-133220550-A-G.
Other names: short protein forms L1388P.
Identifiers: ClinVar variation 4862318 (VCV004862318.1).
Genomic context (GRCh38, chr12:132,643,964, plus strand): 5'-TGGTACATGTCCTCTGGCACTGAATACTCATAGAGATTGTAGACCATGTTGGAGCGAGGA[A>G]GGACCCGATTTACCTGGCGAGAATACGACGATGATCTCGTCACTGGGCGTAAGTGGTAAT-3'
Protein context (NP_006222.2, residues 1378-1398): GASYRKVNRV[Leu1388Pro]PRSNMVYNLY